The following is an entry in ClinVar:

NM_203408.4(FAM47A):c.1052G>A (p.Arg351His)

Gene: FAM47A (family with sequence similarity 47 member A; minus strand). Cytogenetic location: Xp21.1.
Variant type: single nucleotide variant.
Coding change: c.1052G>A on transcript NM_203408.4 (MANE Select); coding-DNA position 1052, G replaced by A.
Protein change: p.Arg351His; replaces arginine 351 with histidine.
Molecular consequence: missense variant.
Genome position (GRCh38, 1-based): chrX:34,131,227, C>T on the plus strand (G>A on the coding strand, the complement: FAM47A is on the minus strand). VCF-style: chrX-34131227-C-T. GRCh37 (hg19) VCF-style: chrX-34149344-C-T.
Other names: short protein forms R351H.
Identifiers: ClinVar variation 4820673 (VCV004820673.4).
Genomic context (GRCh38, chrX:34,131,227, plus strand): 5'-CGACGAGTCTTGGGAGGCGCTAGGCGGAGACGGGACACTCCAGTCTCGGAAGGCTCCGAG[C>T]GGAGACTGGACCCCCGACGAGTCTTGGAATGCTCTAGGCGGAGATGGGACTCTCCAGTCT-3'
Protein context (NP_981953.2, residues 341-361): HSKTRRGSSL[Arg351His]SEPSETGVSR

ClinVar aggregate classification (germline): Likely benign (1 of 4 stars; one submission).

Submission:

CeGaT Center for Human Genetics Tuebingen
Classification: Likely benign. Last evaluated: 2026-03-01. Review status: criteria provided, single submitter. Criteria: CeGaT Center For Human Genetics Tuebingen Variant Classification Criteria Version 2. Collection method: clinical testing. Allele origin: germline. Affected: yes. Observed: 1 variant allele.
Comment: FAM47A: BP4, BS2